The following is an entry in ClinVar:

NM_001267550.2(TTN):c.47546C>G (p.Pro15849Arg)

Genes: TTN (titin; minus strand), TTN-AS1 (TTN antisense RNA 1; plus strand). Cytogenetic location: 2q31.2.
Variant type: single nucleotide variant.
Coding change: c.47546C>G on transcript NM_001267550.2 (MANE Select); coding-DNA position 47546, C replaced by G.
Protein change: p.Pro15849Arg; replaces proline 15849 with arginine.
Molecular consequence: missense variant.
Genome position (GRCh38, 1-based): chr2:178,617,805, G>C on the plus strand (C>G on the coding strand, the complement: TTN is on the minus strand). VCF-style: chr2-178617805-G-C. GRCh37 (hg19) VCF-style: chr2-179482532-G-C.
Other names: p.Pro13281Arg; c.42623C>G, p.Pro14208Arg (NM_001256850.1); c.20351C>G, p.Pro6784Arg (NM_003319.4); c.39842C>G, p.Pro13281Arg (NM_133378.4); c.20726C>G, p.Pro6909Arg (NM_133432.3); c.20927C>G, p.Pro6976Arg (NM_133437.4); short protein forms P13281R, P14208R, P15849R, P6784R, P6909R, P6976R.
Identifiers: ClinVar variation 3380887 (VCV003380887.2).

ClinVar aggregate classification (germline): Uncertain significance. Review status: criteria provided, multiple submitters, no conflicts (2 of 4 stars). 2 submissions from 2 submitters: Uncertain significance (2). Last evaluated 2024-12-11.

gnomAD v4.1: 4 of 1,612,258 alleles (0.00025%); highest among the groups gnomAD compares: Middle Eastern, 0.017%; no homozygotes.

Submissions (2):

Revvity Omics, Revvity
Classification: Uncertain significance. Last evaluated: 2024-12-11. Review status: criteria provided, single submitter. Criteria: ACMG Guidelines, 2015. Collection method: clinical testing. Allele origin: germline.

Mayo Clinic Laboratories, Mayo Clinic
Classification: Uncertain significance. Last evaluated: 2024-05-09. Review status: criteria provided, single submitter. Criteria: ACMG Guidelines, 2015. Collection method: clinical testing. Allele origin: germline. Observed: 1 variant allele.
Comment: BP4